The following is an entry in ClinVar:

NM_006514.4(SCN10A):c.23T>C (p.Leu8Pro)

Gene: SCN10A (sodium voltage-gated channel alpha subunit 10; minus strand). Cytogenetic location: 3p22.2.
Variant type: single nucleotide variant.
Coding change: c.23T>C on transcript NM_006514.4 (MANE Select); coding-DNA position 23, T replaced by C.
Protein change: p.Leu8Pro; replaces leucine 8 with proline.
Molecular consequence: missense variant.
Genome position (GRCh38, 1-based): chr3:38,793,988, A>G on the plus strand (T>C on the coding strand, the complement: SCN10A is on the minus strand). VCF-style: chr3-38793988-A-G. GRCh37 (hg19) VCF-style: chr3-38835479-A-G.
Other names: c.23T>C, p.Leu8Pro (NM_001293306.2, NM_001293307.2); short protein forms L8P.
Identifiers: ClinVar variation 4864090 (VCV004864090.1).

ClinVar aggregate classification (germline): Uncertain significance (1 of 4 stars; one submission).

Conditions:
Cardiovascular phenotype. Identifiers: MedGen CN230736.

gnomAD v4.1: 9 of 1,613,816 alleles (0.00056%); highest among the groups gnomAD compares: Non-Finnish European, 0.00076%; no homozygotes.

Submission:

Ambry Genetics
Classification: Uncertain significance for Cardiovascular phenotype. Last evaluated: 2026-03-21. Review status: criteria provided, single submitter. Criteria: Ambry Variant Classification Scheme 2023. Collection method: clinical testing. Allele origin: germline.
Comment: The p.L8P variant (also known as c.23T>C), located in coding exon 1 of the SCN10A gene, results from a T to C substitution at nucleotide position 23. The leucine at codon 8 is replaced by proline, an amino acid with similar properties. This amino acid position is conserved. In addition, this alteration is predicted to be tolerated by in silico analysis. Based on the available evidence, the clinical significance of this variant remains unclear.